The following is an entry in ClinVar:

ClinVar aggregate classification (germline): Pathogenic (1 of 4 stars; one submission).

Conditions:
Long QT syndrome (LQTS). Identifiers: MedGen C0023976, MeSH D008133, MONDO:0002442. Disease mechanism: loss of function. Inheritance: Various modes of inheritance.

Submission:

Labcorp Genetics (formerly Invitae), Labcorp
Classification: Pathogenic for Long QT syndrome. Last evaluated: 2025-02-12. Review status: criteria provided, single submitter. Criteria: Invitae Variant Classification Sherloc (09022015). Collection method: clinical testing. Allele origin: germline.
Comment: This sequence change replaces arginine, which is basic and polar, with tryptophan, which is neutral and slightly polar, at codon 380 of the KCNQ1 protein (p.Arg380Trp). This variant is not present in population databases (gnomAD no frequency). This missense change has been observed in individuals with clinical features of long QT syndrome (internal data). ClinVar contains an entry for this variant (Variation ID: 581004). Invitae Evidence Modeling of protein sequence and biophysical properties (such as structural, functional, and spatial information, amino acid conservation, physicochemical variation, residue mobility, and thermodynamic stability) indicates that this missense variant is expected to disrupt KCNQ1 protein function with a positive predictive value of 95%. This variant disrupts the p.Arg380 amino acid residue in KCNQ1. Other variant(s) that disrupt this residue have been determined to be pathogenic (PMID: 15840476, 24190995, 26344792; internal data). This suggests that this residue is clinically significant, and that variants that disrupt this residue are likely to be disease-causing. For these reasons, this variant has been classified as Pathogenic.

Literature cited by the submitters: PubMed 15840476; PubMed 24190995; PubMed 26344792.

NM_000218.3(KCNQ1):c.1138A>T (p.Arg380Trp)

Gene: KCNQ1 (potassium voltage-gated channel subfamily Q member 1; plus strand). Cytogenetic location: 11p15.5.
Variant type: single nucleotide variant.
Coding change: c.1138A>T on transcript NM_000218.3 (MANE Select); coding-DNA position 1138, A replaced by T.
Protein change: p.Arg380Trp; replaces arginine 380 with tryptophan.
Molecular consequence: missense variant.
Genome position (GRCh38, 1-based): chr11:2,587,579, A>T. VCF-style: chr11-2587579-A-T. GRCh37 (hg19) VCF-style: chr11-2608809-A-T.
Other names: c.1042A>T, p.Arg348Trp (NM_001406836.1); c.868A>T, p.Arg290Trp (NM_001406837.1); c.598A>T, p.Arg200Trp (NM_001406838.1); c.757A>T, p.Arg253Trp (NM_181798.2); short protein forms R380W, R253W, R200W, R348W, R290W.
Identifiers: ClinVar variation 581004 (VCV000581004.12), dbSNP rs199472770, ClinGen allele CA379134655.